The following is an entry in ClinVar:

NM_013266.4(CTNNA3):c.-5-1214A>C

Gene: CTNNA3 (catenin alpha 3; minus strand). Cytogenetic location: 10q21.3.
Variant type: single nucleotide variant.
Coding change: c.-5-1214A>C on transcript NM_013266.4 (MANE Select); 1214 bases into the intron before 5 bases upstream of the start codon, A replaced by C.
Molecular consequence: intron variant.
Genome position (GRCh38, 1-based): chr10:67,648,732, T>G on the plus strand (A>C on the coding strand, the complement: CTNNA3 is on the minus strand). VCF-style: chr10-67648732-T-G. GRCh37 (hg19) VCF-style: chr10-69408490-T-G.
Other names: c.-5-1214A>C (NM_001127384.3); c.31+8A>C (NM_001291133.2).
Identifiers: ClinVar variation 3045554 (VCV003045554.3), dbSNP rs768710407, ClinGen allele CA5520745.

ClinVar aggregate classification (germline): Likely benign. Review status: criteria provided, single submitter (1 of 4 stars). 2 submissions from 2 submitters: Likely benign (1). 1 of the submissions does not count toward it. Last evaluated 2024-11-15.

Conditions:
CTNNA3-related disorder. Also called: CTNNA3-related condition.

Allele frequency attached by ClinVar (database versions not stated): ExAC 0.00008; gnomAD 0.00023; TOPMed 0.00027; gnomAD exomes 0.00028.
gnomAD v4.1: 348 of 1,289,464 alleles (0.027%); highest among the groups gnomAD compares: Non-Finnish European, 0.035%; no homozygotes.

Submissions (2):

Blueprint Genetics
Classification: Likely benign. Last evaluated: 2024-11-15. Review status: criteria provided, single submitter. Criteria: ACMG Guidelines, 2015. Collection method: clinical testing. Allele origin: germline.

PreventionGenetics, part of Exact Sciences
Classification: Likely benign for CTNNA3-related condition. Last evaluated: 2021-05-09. Review status: no assertion criteria provided. Collection method: clinical testing. Allele origin: germline. Not counted in ClinVar's aggregate classification.
Comment: This variant is classified as likely benign based on ACMG/AMP sequence variant interpretation guidelines (Richards et al. 2015 PMID: 25741868, with internal and published modifications).